The following is an entry in ClinVar:

ClinVar aggregate classification (germline): Uncertain significance (1 of 4 stars; one submission).

Allele frequency attached by ClinVar (database versions not stated): gnomAD exomes below 0.00001; TOPMed below 0.00001.
gnomAD v4.1: 1 of 1,613,526 alleles (0.000062%); highest among the groups gnomAD compares: African/African-American, 0.0013%; no homozygotes.

Submission:

Labcorp Genetics (formerly Invitae), Labcorp
Classification: Uncertain significance. Last evaluated: 2022-05-16. Review status: criteria provided, single submitter. Criteria: Invitae Variant Classification Sherloc (09022015). Collection method: clinical testing. Allele origin: germline.
Comment: This sequence change replaces valine, which is neutral and non-polar, with isoleucine, which is neutral and non-polar, at codon 661 of the FNIP1 protein (p.Val661Ile). This variant is present in population databases (no rsID available, gnomAD 0.007%). This variant has not been reported in the literature in individuals affected with FNIP1-related conditions. Algorithms developed to predict the effect of missense changes on protein structure and function (SIFT, PolyPhen-2, Align-GVGD) all suggest that this variant is likely to be tolerated. In summary, the available evidence is currently insufficient to determine the role of this variant in disease. Therefore, it has been classified as a Variant of Uncertain Significance.

NM_133372.3(FNIP1):c.1981G>A (p.Val661Ile)

Gene: FNIP1 (folliculin interacting protein 1; minus strand). Cytogenetic location: 5q31.1.
Variant type: single nucleotide variant.
Coding change: c.1981G>A on transcript NM_133372.3 (MANE Select); coding-DNA position 1981, G replaced by A.
Protein change: p.Val661Ile; replaces valine 661 with isoleucine.
Molecular consequence: missense variant.
Genome position (GRCh38, 1-based): chr5:131,672,463, C>T on the plus strand (G>A on the coding strand, the complement: FNIP1 is on the minus strand). VCF-style: chr5-131672463-C-T. GRCh37 (hg19) VCF-style: chr5-131008156-C-T.
Other names: c.1897G>A, p.Val633Ile (NM_001008738.3); c.1846G>A, p.Val616Ile (NM_001346114.2); short protein forms V616I, V661I, V633I.
Identifiers: ClinVar variation 1929992 (VCV001929992.3), dbSNP rs1281825322, ClinGen allele CA360792043.
Genomic context (GRCh38, chr5:131,672,463, plus strand): 5'-CTGTCTCTAACTTGGCGTCAAAGCAAGTTCTTAATTTATCTCTGTACTGTTTAACATCAA[C>T]AGCATTTTCTTCTTGGCAGTCAGAAGGAGAAATCATCTGGCACTCATCTGAAATTCCTAG-3'
Protein context (NP_588613.3, residues 651-671): SPSDCQEENA[Val661Ile]DVKQYRDKLR